The following is an entry in ClinVar:

NM_016233.2(PADI3):c.742C>T (p.Arg248Cys)

Gene: PADI3 (peptidyl arginine deiminase 3; plus strand). Cytogenetic location: 1p36.13.
Variant type: single nucleotide variant.
Coding change: c.742C>T on transcript NM_016233.2 (MANE Select); coding-DNA position 742, C replaced by T.
Protein change: p.Arg248Cys; replaces arginine 248 with cysteine.
Molecular consequence: missense variant.
Genome position (GRCh38, 1-based): chr1:17,270,322, C>T. VCF-style: chr1-17270322-C-T. GRCh37 (hg19) VCF-style: chr1-17596817-C-T.
Other names: short protein forms R248C.
Identifiers: ClinVar variation 2638393 (VCV002638393.25), dbSNP rs145296609, ClinGen allele CA639811.

ClinVar aggregate classification (germline): Likely benign. Review status: criteria provided, single submitter (1 of 4 stars). 2 submissions from 2 submitters: Likely benign (1). 1 of the submissions does not count toward it. Last evaluated 2023-03-01.

Conditions:
PADI3-related disorder. Also called: PADI3-related condition.

Allele frequency attached by ClinVar (database versions not stated): 1000 Genomes Project 30x 0.00094; 1000 Genomes Project 0.00100; gnomAD 0.00410; TOPMed 0.00463; ExAC 0.00486; ESP Exome Variant Server 0.00600; gnomAD exomes 0.00686.
gnomAD v4.1: 10,659 of 1,613,882 alleles (0.66%); highest among the groups gnomAD compares: Non-Finnish European, 0.8%; 52 homozygotes.

Submissions (2):

CeGaT Center for Human Genetics Tuebingen
Classification: Likely benign. Last evaluated: 2023-03-01. Review status: criteria provided, single submitter. Criteria: CeGaT Center For Human Genetics Tuebingen Variant Classification Criteria Version 2. Collection method: clinical testing. Allele origin: germline. Affected: yes. Observed: 1 variant allele.
Comment: PADI3: BP4, BS2

PreventionGenetics, part of Exact Sciences
Classification: Benign for PADI3-related condition. Last evaluated: 2020-02-17. Review status: no assertion criteria provided. Collection method: clinical testing. Allele origin: germline. Not counted in ClinVar's aggregate classification.
Comment: This variant is classified as benign based on ACMG/AMP sequence variant interpretation guidelines (Richards et al. 2015 PMID: 25741868, with internal and published modifications).